The following is an entry in ClinVar:

NM_004656.4(BAP1):c.225T>A (p.Asp75Glu)

Gene: BAP1 (BRCA1 associated deubiquitinase 1; minus strand). Cytogenetic location: 3p21.1.
Variant type: single nucleotide variant.
Coding change: c.225T>A on transcript NM_004656.4 (MANE Select); coding-DNA position 225, T replaced by A.
Protein change: p.Asp75Glu; replaces aspartic acid 75 with glutamic acid.
Molecular consequence: missense variant.
Genome position (GRCh38, 1-based): chr3:52,408,504, A>T on the plus strand (T>A on the coding strand, the complement: BAP1 is on the minus strand). VCF-style: chr3-52408504-A-T. GRCh37 (hg19) VCF-style: chr3-52442520-A-T.
Other names: c.225T>A, p.Asp75Glu (NM_001410772.1); short protein forms D75E.
Identifiers: ClinVar variation 3647869 (VCV003647869.2).

ClinVar aggregate classification (germline): Uncertain significance (1 of 4 stars; one submission).

Conditions:
BAP1-related tumor predisposition syndrome (TPDS1). Also called: Tumor susceptibility linked to germline BAP1 mutations; COMMON Syndrome; TUMOR PREDISPOSITION SYNDROME 1; BAP1 tumor predisposition syndrome. Identifiers: Orphanet 289539, MedGen C3280492, MONDO:0013692, OMIM 614327.

Submission:

Labcorp Genetics (formerly Invitae), Labcorp
Classification: Uncertain significance for BAP1-related tumor predisposition syndrome. Last evaluated: 2024-03-27. Review status: criteria provided, single submitter. Criteria: Invitae Variant Classification Sherloc (09022015). Collection method: clinical testing. Allele origin: germline.
Comment: This sequence change replaces aspartic acid, which is acidic and polar, with glutamic acid, which is acidic and polar, at codon 75 of the BAP1 protein (p.Asp75Glu). This variant is not present in population databases (gnomAD no frequency). This variant has not been reported in the literature in individuals affected with BAP1-related conditions. Advanced modeling of protein sequence and biophysical properties (such as structural, functional, and spatial information, amino acid conservation, physicochemical variation, residue mobility, and thermodynamic stability) performed at Invitae indicates that this missense variant is not expected to disrupt BAP1 protein function with a negative predictive value of 80%. In summary, the available evidence is currently insufficient to determine the role of this variant in disease. Therefore, it has been classified as a Variant of Uncertain Significance.